The following is an entry in ClinVar:

ClinVar aggregate classification (germline): Uncertain significance. Review status: criteria provided, multiple submitters, no conflicts (2 of 4 stars). 2 submissions from 2 submitters: Uncertain significance (2). Last evaluated 2025-05-27.

Conditions:
Epilepsy, childhood absence, susceptibility to, 6. Identifiers: Orphanet 64280, MedGen C2749872, MONDO:0012763, OMIM 611942.
Hyperaldosteronism, familial, type IV (HALD4). Also called: FH IV; ALDOSTERONISM, PRIMARY, AND HYPERTENSION. Identifiers: Orphanet 642671, MedGen C4310756, MONDO:0014875, OMIM 617027.
Idiopathic generalized epilepsy. Also called: EIG; Generalised epilepsy. Identifiers: MedGen C0270850, MONDO:0005579, OMIM 600669.

Allele frequency attached by ClinVar (database versions not stated): TOPMed 0.00004.
gnomAD v4.1: 23 of 1,545,418 alleles (0.0015%); highest among the groups gnomAD compares: African/African-American, 0.0041%; no homozygotes.

Submissions (2):

Labcorp Genetics (formerly Invitae), Labcorp
Classification: Uncertain significance for Idiopathic generalized epilepsy; Hyperaldosteronism, familial, type IV. Last evaluated: 2025-05-27. Review status: criteria provided, single submitter. Criteria: Invitae Variant Classification Sherloc (09022015). Collection method: clinical testing. Allele origin: germline.
Comment: This sequence change replaces arginine, which is basic and polar, with histidine, which is basic and polar, at codon 1189 of the CACNA1H protein (p.Arg1189His). This variant is not present in population databases (gnomAD no frequency). This variant has not been reported in the literature in individuals affected with CACNA1H-related conditions. ClinVar contains an entry for this variant (Variation ID: 662438). Invitae Evidence Modeling of protein sequence and biophysical properties (such as structural, functional, and spatial information, amino acid conservation, physicochemical variation, residue mobility, and thermodynamic stability) indicates that this missense variant is not expected to disrupt CACNA1H protein function with a negative predictive value of 80%. In summary, the available evidence is currently insufficient to determine the role of this variant in disease. Therefore, it has been classified as a Variant of Uncertain Significance.

Fulgent Genetics
Classification: Uncertain significance for Epilepsy, childhood absence, susceptibility to, 6; Hyperaldosteronism, familial, type IV. Last evaluated: 2022-01-18. Review status: criteria provided, single submitter. Criteria: ACMG Guidelines, 2015. Collection method: clinical testing. Allele origin: unknown.

NM_021098.3(CACNA1H):c.3566G>A (p.Arg1189His)

Gene: CACNA1H (calcium voltage-gated channel subunit alpha1 H; plus strand). Cytogenetic location: 16p13.3.
Variant type: single nucleotide variant.
Coding change: c.3566G>A on transcript NM_021098.3 (MANE Select); coding-DNA position 3566, G replaced by A.
Protein change: p.Arg1189His; replaces arginine 1189 with histidine.
Molecular consequence: missense variant.
Genome position (GRCh38, 1-based): chr16:1,209,234, G>A. VCF-style: chr16-1209234-G-A. GRCh37 (hg19) VCF-style: chr16-1259234-G-A.
Other names: c.3566G>A, p.Arg1189His (NM_001005407.2); short protein forms R1189H.
Identifiers: ClinVar variation 662438 (VCV000662438.9), dbSNP rs1233148543, ClinGen allele CA394173998.